The following is an entry in ClinVar:

NM_005535.3(IL12RB1):c.548T>C (p.Leu183Ser)

Gene: IL12RB1 (interleukin 12 receptor subunit beta 1; minus strand). Cytogenetic location: 19p13.11.
Variant type: single nucleotide variant.
Coding change: c.548T>C on transcript NM_005535.3 (MANE Select); coding-DNA position 548, T replaced by C.
Protein change: p.Leu183Ser; replaces leucine 183 with serine.
Molecular consequence: missense variant.
Genome position (GRCh38, 1-based): chr19:18,077,517, A>G on the plus strand (T>C on the coding strand, the complement: IL12RB1 is on the minus strand). VCF-style: chr19-18077517-A-G. GRCh37 (hg19) VCF-style: chr19-18188327-A-G.
Other names: c.548T>C, p.Leu183Ser (NM_001290023.2, NM_153701.3); c.668T>C, p.Leu223Ser (NM_001290024.2); short protein forms L183S, L223S.
Identifiers: ClinVar variation 1418606 (VCV001418606.3), dbSNP rs200328413, ClinGen allele CA9305188.

ClinVar aggregate classification (germline): Uncertain significance (1 of 4 stars; one submission).

Conditions:
Mendelian susceptibility to mycobacterial diseases due to complete IL12RB1 deficiency. Also called: IL12RB1 DEFICIENCY; Immunodeficiency 30. Identifiers: Orphanet 319552, MedGen C4013949, MONDO:0013955, OMIM 614891.

Allele frequency attached by ClinVar (database versions not stated): gnomAD exomes below 0.00001; ExAC 0.00002; gnomAD 0.00002; TOPMed 0.00004.
gnomAD v4.1: 8 of 1,609,208 alleles (0.0005%); highest among the groups gnomAD compares: African/African-American, 0.008%; no homozygotes.

Submission:

Labcorp Genetics (formerly Invitae), Labcorp
Classification: Uncertain significance for Mendelian susceptibility to mycobacterial diseases due to complete IL12RB1 deficiency. Last evaluated: 2022-08-19. Review status: criteria provided, single submitter. Criteria: Invitae Variant Classification Sherloc (09022015). Collection method: clinical testing. Allele origin: germline.
Comment: This sequence change replaces leucine, which is neutral and non-polar, with serine, which is neutral and polar, at codon 183 of the IL12RB1 protein (p.Leu183Ser). This variant is present in population databases (rs200328413, gnomAD 0.007%). This variant has not been reported in the literature in individuals affected with IL12RB1-related conditions. ClinVar contains an entry for this variant (Variation ID: 1418606). Algorithms developed to predict the effect of missense changes on protein structure and function are either unavailable or do not agree on the potential impact of this missense change (SIFT: "Deleterious"; PolyPhen-2: "Benign"; Align-GVGD: "Class C15"). In summary, the available evidence is currently insufficient to determine the role of this variant in disease. Therefore, it has been classified as a Variant of Uncertain Significance.